The following is an entry in ClinVar:

ClinVar aggregate classification (germline): Uncertain significance (1 of 4 stars; one submission).

Conditions:
TRPM1-related disorder. Also called: TRPM1-related condition.

gnomAD v4.1: 42 of 1,612,414 alleles (0.0026%); highest among the groups gnomAD compares: African/African-American, 0.0053%; no homozygotes.

Submission:

PreventionGenetics, part of Exact Sciences
Classification: Uncertain significance for TRPM1-related condition. Last evaluated: 2025-12-26. Review status: criteria provided, single submitter. Criteria: ACMG Guidelines, 2015. Collection method: clinical testing. Allele origin: germline.
Comment: The TRPM1 c.91C>T variant is predicted to result in the amino acid substitution p.Arg31Trp. This variant is referred to as c.-27C>T in the alternate transcript NM_002420.6. This variant has been reported homozygous state in an individual with night blindness and in the compound heterozygous state in an individual with retinal dystrophy (Audo et al. 2009. PubMed ID: 19896113; Supplemental Table 4, Panneman et al. 2023. PubMed ID: 36819107). This variant is reported in 0.0051% of alleles in individuals of East Asian descent in gnomAD. At this time, the clinical significance of this variant is uncertain due to the absence of conclusive functional and genetic evidence.

NM_001252024.2(TRPM1):c.40C>T (p.Arg14Trp)

Gene: TRPM1 (transient receptor potential cation channel subfamily M member 1; minus strand). Cytogenetic location: 15q13.3.
Variant type: single nucleotide variant.
Coding change: c.40C>T on transcript NM_001252024.2 (MANE Select); coding-DNA position 40, C replaced by T.
Protein change: p.Arg14Trp; replaces arginine 14 with tryptophan.
Molecular consequence: missense variant. On other transcripts: 5 prime UTR variant (2).
Genome position (GRCh38, 1-based): chr15:31,076,948, G>A on the plus strand (C>T on the coding strand, the complement: TRPM1 is on the minus strand). VCF-style: chr15-31076948-G-A. GRCh37 (hg19) VCF-style: chr15-31369151-G-A.
Other names: c.91C>T, p.Arg31Trp (NM_001252020.2); c.-27C>T (NM_001252030.2, NM_002420.6); short protein forms R14W, R31W.
Identifiers: ClinVar variation 4985080 (VCV004985080.1).